The following is an entry in ClinVar:

ClinVar aggregate classification (germline): Conflicting classifications of pathogenicity. Review status: criteria provided, conflicting classifications (1 of 4 stars). 2 submissions from 2 submitters: Uncertain significance (1); Likely benign (1). Last evaluated 2025-11-30.

Conditions:
Hereditary cancer-predisposing syndrome. Also called: Tumor predisposition; Neoplastic Syndromes, Hereditary; Hereditary Cancer Syndrome; Hereditary neoplastic syndrome. Identifiers: Orphanet 140162, MedGen C0027672, MeSH D009386, MONDO:0015356.
Tuberous sclerosis 1 (TSC1). Identifiers: Orphanet 805, MedGen C1854465, MONDO:0008612, OMIM 191100.

Submissions (2):

Labcorp Genetics (formerly Invitae), Labcorp
Classification: Likely benign for Tuberous sclerosis 1. Last evaluated: 2025-11-30. Review status: criteria provided, single submitter. Criteria: Invitae Variant Classification Sherloc (09022015). Collection method: clinical testing. Allele origin: germline.

Ambry Genetics
Classification: Uncertain significance for Hereditary cancer-predisposing syndrome. Last evaluated: 2025-10-28. Review status: criteria provided, single submitter. Criteria: Ambry Variant Classification Scheme 2023. Collection method: clinical testing. Allele origin: germline.
Comment: The c.509-5T>C intronic variant results from a T to C substitution 5 nucleotides upstream from coding exon 5 in the TSC1 gene. This nucleotide position is not well conserved in available vertebrate species. In silico splice site analysis predicts that this alteration will not have any significant effect on splicing. Based on the available evidence, the clinical significance of this variant remains unclear.

NM_000368.5(TSC1):c.509-5T>C

Gene: TSC1 (TSC complex subunit 1; minus strand). Cytogenetic location: 9q34.13.
Variant type: single nucleotide variant.
Coding change: c.509-5T>C on transcript NM_000368.5 (MANE Select); 5 bases into the intron before coding-DNA position 509, T replaced by C.
Molecular consequence: intron variant.
Genome position (GRCh38, 1-based): chr9:132,921,978, A>G on the plus strand (T>C on the coding strand, the complement: TSC1 is on the minus strand). VCF-style: chr9-132921978-A-G. GRCh37 (hg19) VCF-style: chr9-135797365-A-G.
Other names: c.509-5T>C (NM_000368.4, NM_001162426.2); c.146-5T>C (NM_001362177.2); c.356-5T>C (NM_001162427.2).
Identifiers: ClinVar variation 1093508 (VCV001093508.10), dbSNP rs1846593189, ClinGen allele CA2499219732.